The following is an entry in ClinVar:

NM_000321.3(RB1):c.1166dup (p.Leu389fs)

Gene: RB1 (RB transcriptional corepressor 1; plus strand). Cytogenetic location: 13q14.2.
Variant type: Duplication.
Coding change: c.1166dup on transcript NM_000321.3 (MANE Select); coding-DNA position 1166, one base duplicated (T; older notation c.1166dupT).
Protein change: p.Leu389fs; shifts the reading frame from leucine 389.
Molecular consequence: frameshift variant.
Genome position (GRCh38, 1-based): chr13:48,373,443, T duplicated; the last of 4 consecutive T bases (chr13:48,373,440-48,373,443); duplicating any one gives the same sequence. VCF-style (leftmost placement, unchanged base first): chr13-48373439-A-AT. GRCh37 (hg19) VCF-style: chr13-48947575-A-AT.
Other names: short protein forms L389fs.
Identifiers: ClinVar variation 1069198 (VCV001069198.9), dbSNP rs2138131106, ClinGen allele CA2499222445.

ClinVar aggregate classification (germline): Pathogenic (1 of 4 stars; one submission).

Conditions:
Retinoblastoma (RB1). Also called: RETINOBLASTOMA, SOMATIC. Identifiers: Orphanet 790, MedGen C0035335, MeSH D012175, MONDO:0008380, OMIM 180200, HP:0009919. Disease mechanism: loss of function. Inheritance: Both sporadic and heritable forms are tested..

Submission:

Labcorp Genetics (formerly Invitae), Labcorp
Classification: Pathogenic for Retinoblastoma. Last evaluated: 2018-06-13. Review status: criteria provided, single submitter. Criteria: Invitae Variant Classification Sherloc (09022015). Collection method: clinical testing. Allele origin: germline.
Comment: Loss-of-function variants in RB1 are known to be pathogenic (PMID: 17096365). This variant has been reported in individuals affected with affected with retinoblastoma (PMID: 9639842). This variant has been reported in individuals in the Leiden Open-source Variation Database (PMID: 21520333). This variant is not present in population databases (ExAC no frequency). This sequence change creates a premature translational stop signal (p.Leu389Phefs*6) in the RB1 gene. It is expected to result in an absent or disrupted protein product. For these reasons, this variant has been classified as Pathogenic.

Literature cited by the submitters: PubMed 17096365; PubMed 9639842; PubMed 21520333.